The following is an entry in ClinVar:

NM_005534.4(IFNGR2):c.879+32dup

Genes: IFNGR2 (interferon gamma receptor 2; plus strand), TMEM50B (transmembrane protein 50B; minus strand). Cytogenetic location: 21q22.11.
Variant type: Duplication.
Coding change: c.879+32dup on transcript NM_005534.4 (MANE Select); 32 bases into the intron after coding-DNA position 879, one base duplicated (T; older notation c.879+32dupT).
Molecular consequence: intron variant.
Genome position (GRCh38, 1-based): chr21:33,432,903, T duplicated; the last of 13 consecutive T bases (chr21:33,432,891-33,432,903); duplicating any one gives the same sequence. VCF-style (leftmost placement, unchanged base first): chr21-33432890-C-CT. GRCh37 (hg19) VCF-style: chr21-34805197-C-CT.
Other names: c.936+32dup (NM_001329128.2).
Identifiers: ClinVar variation 1170170 (VCV001170170.12), dbSNP rs143248516, ClinGen allele CA10007046.

ClinVar aggregate classification (germline): Benign/Likely benign. Review status: criteria provided, multiple submitters, no conflicts (2 of 4 stars). 3 submissions from 3 submitters: Benign (2); Likely benign (1). Last evaluated 2026-02-02.

Conditions:
Immunodeficiency 28 (IMD28). Also called: IFNGR2 DEFICIENCY. Identifiers: Orphanet 319547, Orphanet 319574, MedGen C4013947, MONDO:0013953, OMIM 614889.

Submissions (3):

Labcorp Genetics (formerly Invitae), Labcorp
Classification: Benign for Immunodeficiency 28. Last evaluated: 2026-02-02. Review status: criteria provided, single submitter. Criteria: Invitae Variant Classification Sherloc (09022015). Collection method: clinical testing. Allele origin: germline.

Blueprint Genetics
Classification: Likely benign. Last evaluated: 2024-11-28. Review status: criteria provided, single submitter. Criteria: ACMG Guidelines, 2015. Collection method: clinical testing. Allele origin: germline.

Unidad de Genómica Garrahan, Hospital de Pediatría Garrahan
Classification: Benign. Last evaluated: 2024-01-24. Review status: criteria provided, single submitter. Criteria: ACMG Guidelines, 2015. Collection method: clinical testing. Allele origin: germline. Affected: no. Observed: 27 variant alleles.
Comment: This variant is classified as Benign based on local population frequency. This variant was detected in 31% of patients studied by a panel of primary immunodeficiencies. Number of patients: 27. Only high quality variants are reported.